The following is an entry in ClinVar:

ClinVar aggregate classification (germline): Likely benign (1 of 4 stars; one submission).

Conditions:
SBF2-related disorder. Also called: SBF2-related condition.

gnomAD v4.1: 6 of 1,610,316 alleles (0.00037%); highest among the groups gnomAD compares: Non-Finnish European, 0.00051%; no homozygotes.

Submission:

PreventionGenetics, part of Exact Sciences
Classification: Likely benign for SBF2-related condition. Last evaluated: 2025-10-21. Review status: criteria provided, single submitter. Criteria: ACMG Guidelines, 2015. Collection method: clinical testing. Allele origin: germline.
Comment: This variant is classified as likely benign based on ACMG/AMP sequence variant interpretation guidelines (Richards et al. 2015 PMID: 25741868, with internal and published modifications).

NM_030962.4(SBF2):c.1396-3C>T

Gene: SBF2 (SET binding factor 2; minus strand). Cytogenetic location: 11p15.4.
Variant type: single nucleotide variant.
Coding change: c.1396-3C>T on transcript NM_030962.4 (MANE Select); 3 bases into the intron before coding-DNA position 1396, C replaced by T.
Molecular consequence: intron variant.
Genome position (GRCh38, 1-based): chr11:9,968,548, G>A on the plus strand (C>T on the coding strand, the complement: SBF2 is on the minus strand). VCF-style: chr11-9968548-G-A. GRCh37 (hg19) VCF-style: chr11-9990095-G-A.
Other names: c.1432-3C>T (NM_001425069.1, NM_001425070.1, NM_001424318.1); c.1267-3C>T (NM_001386342.1); c.1396-3C>T (NM_001386339.1).
Identifiers: ClinVar variation 4990588 (VCV004990588.1).